The following is an entry in ClinVar:

ClinVar aggregate classification (germline): Uncertain significance (1 of 4 stars; one submission).

gnomAD v4.1: 4 of 1,612,790 alleles (0.00025%); highest among the groups gnomAD compares: Non-Finnish European, 0.00017%; no homozygotes.

Submission:

Labcorp Genetics (formerly Invitae), Labcorp
Classification: Uncertain significance. Last evaluated: 2024-12-03. Review status: criteria provided, single submitter. Criteria: Invitae Variant Classification Sherloc (09022015). Collection method: clinical testing. Allele origin: germline.
Comment: This sequence change replaces threonine, which is neutral and polar, with serine, which is neutral and polar, at codon 1750 of the RAI1 protein (p.Thr1750Ser). This variant is not present in population databases (gnomAD no frequency). This variant has not been reported in the literature in individuals affected with RAI1-related conditions. Invitae Evidence Modeling of protein sequence and biophysical properties (such as structural, functional, and spatial information, amino acid conservation, physicochemical variation, residue mobility, and thermodynamic stability) indicates that this missense variant is not expected to disrupt RAI1 protein function with a negative predictive value of 80%. In summary, the available evidence is currently insufficient to determine the role of this variant in disease. Therefore, it has been classified as a Variant of Uncertain Significance.

NM_030665.4(RAI1):c.5249C>G (p.Thr1750Ser)

Gene: RAI1 (retinoic acid induced 1; plus strand). Cytogenetic location: 17p11.2.
Variant type: single nucleotide variant.
Coding change: c.5249C>G on transcript NM_030665.4 (MANE Select); coding-DNA position 5249, C replaced by G.
Protein change: p.Thr1750Ser; replaces threonine 1750 with serine.
Molecular consequence: missense variant.
Genome position (GRCh38, 1-based): chr17:17,798,197, C>G. VCF-style: chr17-17798197-C-G. GRCh37 (hg19) VCF-style: chr17-17701511-C-G.
Other names: short protein forms T1750S.
Identifiers: ClinVar variation 3718393 (VCV003718393.2).